The following is an entry in ClinVar:

ClinVar aggregate classification (germline): Pathogenic (1 of 4 stars; one submission).

Submission:

Ambry Genetics
Classification: Pathogenic. Last evaluated: 2026-03-04. Review status: criteria provided, single submitter. Criteria: Ambry Variant Classification Scheme 2023. Collection method: clinical testing. Allele origin: germline.
Comment: The c.3646G>T (p.E1216*) alteration, located in exon 6 (coding exon 5) of the ZFHX3 gene, consists of a G to T substitution at nucleotide position 3646. This changes the amino acid from a glutamic acid (E) to a stop codon at amino acid position 1216. This alteration is expected to result in loss of function by premature protein truncation or nonsense-mediated mRNA decay. for ZFHX3-related neurodevelopmental disorder; however, it is unlikely to be causative of ZFHX3-related spinocerebellar ataxia. Although loss of function of ZFHX3 has been associated with ZFHX3-related neurodevelopmental disorder, haploinsufficiency has not been established as a mechanism of disease for ZFHX3-related spinocerebellar ataxia. This variant was not reported in population-based cohorts in the Genome Aggregation Database (gnomAD). Based on the available evidence, this alteration is classified as pathogenic.

NM_006885.4(ZFHX3):c.3646G>T (p.Glu1216Ter)

Genes: ZFHX3 (zinc finger homeobox 3; minus strand), ZFHX3-AS1 (ZFHX3 antisense RNA 1; plus strand). Cytogenetic location: 16q22.3.
Variant type: single nucleotide variant.
Coding change: c.3646G>T on transcript NM_006885.4 (MANE Select); coding-DNA position 3646, G replaced by T.
Protein change: p.Glu1216Ter; replaces glutamic acid 1216 with a stop codon.
Molecular consequence: nonsense.
Genome position (GRCh38, 1-based): chr16:72,811,922, C>A on the plus strand (G>T on the coding strand, the complement: ZFHX3 is on the minus strand). VCF-style: chr16-72811922-C-A. GRCh37 (hg19) VCF-style: chr16-72845821-C-A.
Other names: c.904G>T, p.Glu302Ter (NM_001164766.2); c.3646G>T, p.Glu1216Ter (NM_001386735.1); short protein forms E302*, E1216*.
Identifiers: ClinVar variation 4828860 (VCV004828860.1).
Genomic context (GRCh38, chr16:72,811,922, plus strand): 5'-AAACACCTCACCTCCCCACCAGCAGAGTCCCTTCCAGCCTCACCTGCTCCGGTTTGATCT[C>A]CTCAGCTGTTTTTGGTCGCTTCGAAGAGAGGGGAGACTCTGAGCTACCTGGGAAGGAGAT-3'